The following is an entry in ClinVar:

NM_000135.4(FANCA):c.2097A>G (p.Ile699Met)

Gene: FANCA (FA complementation group A; minus strand). Cytogenetic location: 16q24.3.
Variant type: single nucleotide variant.
Coding change: c.2097A>G on transcript NM_000135.4 (MANE Select); coding-DNA position 2097, A replaced by G.
Protein change: p.Ile699Met; replaces isoleucine 699 with methionine.
Molecular consequence: missense variant.
Genome position (GRCh38, 1-based): chr16:89,771,732, T>C on the plus strand (A>G on the coding strand, the complement: FANCA is on the minus strand). VCF-style: chr16-89771732-T-C. GRCh37 (hg19) VCF-style: chr16-89838140-T-C.
Other names: c.2097A>G, p.Ile699Met (NM_001286167.3); short protein forms I699M.
Identifiers: ClinVar variation 3572388 (VCV003572388.1).

ClinVar aggregate classification (germline): Uncertain significance (1 of 4 stars; one submission).

gnomAD v4.1: 1 of 1,614,202 alleles (0.000062%); highest among the groups gnomAD compares: Non-Finnish European, 0.000085%; no homozygotes.

Submission:

Quest Diagnostics Nichols Institute San Juan Capistrano
Classification: Uncertain significance. Last evaluated: 2023-11-28. Review status: criteria provided, single submitter. Criteria: Quest Diagnostics criteria. Collection method: clinical testing. Allele origin: unknown.
Comment: The FANCA c.2097A>G (p.Ile699Met) variant has been reported in the published literature in an individual with clear cell papillary renal cell carcinoma (PMID: 34512202 (2021)). This variant has not been reported in large, multi-ethnic general populations (Genome Aggregation Database). Analysis of this variant using bioinformatics tools for the prediction of the effect of amino acid changes on protein structure and function yielded predictions that this variant is benign. Based on the available information, we are unable to determine the clinical significance of this variant.

Literature cited by the submitters: PubMed 34512202.